The following is an entry in ClinVar:

ClinVar aggregate classification (germline): Uncertain significance (1 of 4 stars; one submission).

gnomAD v4.1: 3 of 1,610,522 alleles (0.00019%); highest among the groups gnomAD compares: Non-Finnish European, 0.00025%; no homozygotes.

Submission:

Dasa
Classification: Uncertain significance. Last evaluated: 2026-03-25. Review status: criteria provided, single submitter. Criteria: DASA Assertion Criteria. Collection method: clinical testing. Allele origin: germline.
Comment: NM_001378418.1(TCF20):c.5854C>A (p.Leu1952Ile) is a missense variant that results in the substitution of leucine with isoleucine. This variant is rare in population databases. Computational prediction algorithms are consistent with a benign effect. The currently available literature and clinical evidence are not sufficient to establish a definitive association between this variant and the reported condition. Therefore, this variant is classified as a variant of uncertain significance.

NM_001378418.1(TCF20):c.5854C>A (p.Leu1952Ile)

Gene: TCF20 (transcription factor 20; minus strand). Cytogenetic location: 22q13.2.
Variant type: single nucleotide variant.
Coding change: c.5854C>A on transcript NM_001378418.1 (MANE Select); coding-DNA position 5854, C replaced by A.
Protein change: p.Leu1952Ile; replaces leucine 1952 with isoleucine.
Molecular consequence: missense variant. On other transcripts: intron variant (1).
Genome position (GRCh38, 1-based): chr22:42,168,682, G>T on the plus strand (C>A on the coding strand, the complement: TCF20 is on the minus strand). VCF-style: chr22-42168682-G-T. GRCh37 (hg19) VCF-style: chr22-42564688-G-T.
Other names: c.5854C>A, p.Leu1952Ile (NM_005650.4); c.5799+1165C>A (NM_181492.3); short protein forms L1952I.
Identifiers: ClinVar variation 4856911 (VCV004856911.2).